The following is an entry in ClinVar:

NM_000540.3(RYR1):c.4196C>T (p.Thr1399Ile)

Gene: RYR1 (ryanodine receptor 1; plus strand). Cytogenetic location: 19q13.2.
Variant type: single nucleotide variant.
Coding change: c.4196C>T on transcript NM_000540.3 (MANE Select); coding-DNA position 4196, C replaced by T.
Protein change: p.Thr1399Ile; replaces threonine 1399 with isoleucine.
Molecular consequence: missense variant.
Genome position (GRCh38, 1-based): chr19:38,475,353, C>T. VCF-style: chr19-38475353-C-T. GRCh37 (hg19) VCF-style: chr19-38965993-C-T.
Other names: c.4196C>T, p.Thr1399Ile (NM_001042723.2); short protein forms T1399I.
Identifiers: ClinVar variation 4758787 (VCV004758787.1).
Genomic context (GRCh38, chr19:38,475,353, plus strand): 5'-ATGGCGCCTCTCCTCCCACTACCAGCTTCTTATTCAAGGCCAAGAAGGTCGCCATGATGA[C>T]CCAGCCACCGGCCACCCCCACGCTGCCCCGACTCCCTCACGACGTGGTGCCTGCAGACAA-3'
Protein context (NP_000531.2, residues 1389-1409): LFKAKKVAMM[Thr1399Ile]QPPATPTLPR

ClinVar aggregate classification (germline): Uncertain significance (1 of 4 stars; one submission).

Conditions:
Malignant hyperthermia, susceptibility to, 1 (MHS1). Also called: RYR1-Related Malignant Hyperthermia Susceptibility; Malignant hyperthermia suceptibility 1; Anesthesia related hyperthermia; Malignant hyperpyrexia; Fulminating hyperpyrexia; Pharmacogenic myopathy. Identifiers: Orphanet 423, MedGen C2930980, MONDO:0007783, OMIM 145600.

Submission:

Color Diagnostics, LLC DBA Color Health
Classification: Uncertain significance for Malignant hyperthermia, susceptibility to, 1. Last evaluated: 2025-06-09. Review status: criteria provided, single submitter. Criteria: ACMG Guidelines, 2015. Collection method: clinical testing. Allele origin: germline.
Comment: This missense variant replaces threonine with isoleucine at codon 1399 of the RYR1 protein. Computational prediction suggests that this variant may not impact protein structure and function. To our knowledge, functional studies have not been reported for this variant. This variant has not been reported in individuals affected with RYR1-related disorders in the literature. This variant has not been identified in the general population by the Genome Aggregation Database (gnomAD). The available evidence is insufficient to determine the role of this variant in disease conclusively. Therefore, this variant is classified as a Variant of Uncertain Significance.